The following is an entry in ClinVar:

ClinVar aggregate classification (germline): Uncertain significance (1 of 4 stars; one submission).

Conditions:
Dyskeratosis congenita, autosomal dominant 2. Identifiers: MedGen C3151443, MONDO:0013521, OMIM 613989.
Idiopathic Pulmonary Fibrosis. Also called: Idiopathic fibrosing alveolitis, chronic form; idiopathic fibrosing alveolitis. Identifiers: Orphanet 2032, MedGen C1800706, MeSH D054990, MONDO:0800504.

Submission:

Labcorp Genetics (formerly Invitae), Labcorp
Classification: Uncertain significance for Dyskeratosis congenita, autosomal dominant 2; Idiopathic Pulmonary Fibrosis. Last evaluated: 2022-09-17. Review status: criteria provided, single submitter. Criteria: Invitae Variant Classification Sherloc (09022015). Collection method: clinical testing. Allele origin: germline.
Comment: This sequence change replaces arginine, which is basic and polar, with proline, which is neutral and non-polar, at codon 83 of the TERT protein (p.Arg83Pro). This variant is not present in population databases (gnomAD no frequency). This missense change has been observed in individual(s) with TERT-related conditions (PMID: 21931702). Advanced modeling of protein sequence and biophysical properties (such as structural, functional, and spatial information, amino acid conservation, physicochemical variation, residue mobility, and thermodynamic stability) performed at Invitae indicates that this missense variant is expected to disrupt TERT protein function. In summary, the available evidence is currently insufficient to determine the role of this variant in disease. Therefore, it has been classified as a Variant of Uncertain Significance.

Literature cited by the submitters: PubMed 21931702.

NM_198253.3(TERT):c.248G>C (p.Arg83Pro)

Genes: TERT (telomerase reverse transcriptase; minus strand), LOC110806263 (TERT 5' regulatory region; plus strand). Cytogenetic location: 5p15.33.
Variant type: single nucleotide variant.
Coding change: c.248G>C on transcript NM_198253.3 (MANE Select); coding-DNA position 248, G replaced by C.
Protein change: p.Arg83Pro; replaces arginine 83 with proline.
Molecular consequence: missense variant. On other transcripts: non-coding transcript variant (2).
Genome position (GRCh38, 1-based): chr5:1,294,638, C>G on the plus strand (G>C on the coding strand, the complement: TERT is on the minus strand). VCF-style: chr5-1294638-C-G. GRCh37 (hg19) VCF-style: chr5-1294753-C-G.
Other names: c.248G>C, p.Arg83Pro (NM_001193376.3, NM_003219.1); short protein forms R83P.
Identifiers: ClinVar variation 2203607 (VCV002203607.4), dbSNP rs2478430627, ClinGen allele CA359058672.